The following is an entry in ClinVar:

NM_001282933.2(ZNF341):c.2260C>A (p.Arg754Ser)

Genes: ZNF341 (zinc finger protein 341; plus strand), ZNF341-AS1 (ZNF341 antisense RNA 1; minus strand). Cytogenetic location: 20q11.22.
Variant type: single nucleotide variant.
Coding change: c.2260C>A on transcript NM_001282933.2 (MANE Select); coding-DNA position 2260, C replaced by A.
Protein change: p.Arg754Ser; replaces arginine 754 with serine.
Molecular consequence: missense variant. On other transcripts: non-coding transcript variant (1).
Genome position (GRCh38, 1-based): chr20:33,791,212, C>A. VCF-style: chr20-33791212-C-A. GRCh37 (hg19) VCF-style: chr20-32379018-C-A.
Other names: c.1990C>A, p.Arg664Ser (NM_001282935.2); c.2239C>A, p.Arg747Ser (NM_032819.5); c.2239C>A (NM_032819.3); short protein forms R664S, R747S, R754S.
Identifiers: ClinVar variation 1472829 (VCV001472829.6), dbSNP rs751428049, ClinGen allele CA9819759.

ClinVar aggregate classification (germline): Uncertain significance. Review status: criteria provided, multiple submitters, no conflicts (2 of 4 stars). 2 submissions from 2 submitters: Uncertain significance (2). Last evaluated 2025-01-24.

gnomAD v4.1: 69 of 1,612,284 alleles (0.0043%); highest among the groups gnomAD compares: South Asian, 0.06%; 1 homozygote.

Submissions (2):

Ambry Genetics
Classification: Uncertain significance. Last evaluated: 2025-01-24. Review status: criteria provided, single submitter. Criteria: Ambry Variant Classification Scheme 2023. Collection method: clinical testing. Allele origin: germline.

Labcorp Genetics (formerly Invitae), Labcorp
Classification: Uncertain significance. Last evaluated: 2024-10-25. Review status: criteria provided, single submitter. Criteria: Invitae Variant Classification Sherloc (09022015). Collection method: clinical testing. Allele origin: germline.
Comment: This sequence change replaces arginine, which is basic and polar, with serine, which is neutral and polar, at codon 747 of the ZNF341 protein (p.Arg747Ser). This variant is present in population databases (rs751428049, gnomAD 0.1%), including at least one homozygous and/or hemizygous individual. This variant has not been reported in the literature in individuals affected with ZNF341-related conditions. ClinVar contains an entry for this variant (Variation ID: 1472829). An algorithm developed to predict the effect of missense changes on protein structure and function (PolyPhen-2) suggests that this variant¬†is likely to be tolerated. In summary, the available evidence is currently insufficient to determine the role of this variant in disease. Therefore, it has been classified as a Variant of Uncertain Significance.